The following is an entry in ClinVar:

ClinVar aggregate classification (germline): Uncertain significance (1 of 4 stars; one submission).

Conditions:
Inborn genetic diseases. Identifiers: MedGen C0950123, MeSH D030342.

Submission:

Ambry Genetics
Classification: Uncertain significance for Inborn genetic diseases. Last evaluated: 2025-12-29. Review status: criteria provided, single submitter. Criteria: Ambry Variant Classification Scheme 2023. Collection method: clinical testing. Allele origin: germline.
Comment: The p.D720E variant (also known as c.2160T>A), located in coding exon 1 of the SAMD9L gene, results from a T to A substitution at nucleotide position 2160. The aspartic acid at codon 720 is replaced by glutamic acid, an amino acid with highly similar properties. This amino acid position is conserved. In addition, this alteration is predicted to be tolerated by in silico analysis. Based on the available evidence, the clinical significance of this variant remains unclear.

NM_152703.5(SAMD9L):c.2160T>A (p.Asp720Glu)

Gene: SAMD9L (sterile alpha motif domain containing 9 like; minus strand). Cytogenetic location: 7q21.2.
Variant type: single nucleotide variant.
Coding change: c.2160T>A on transcript NM_152703.5 (MANE Select); coding-DNA position 2160, T replaced by A.
Protein change: p.Asp720Glu; replaces aspartic acid 720 with glutamic acid.
Molecular consequence: missense variant.
Genome position (GRCh38, 1-based): chr7:93,133,812, A>T on the plus strand (T>A on the coding strand, the complement: SAMD9L is on the minus strand). VCF-style: chr7-93133812-A-T. GRCh37 (hg19) VCF-style: chr7-92763125-A-T.
Other names: c.2160T>A, p.Asp720Glu (NM_001303496.3, NM_001303497.3, NM_001303498.3 and 5 more transcripts); short protein forms D720E.
Identifiers: ClinVar variation 4842026 (VCV004842026.1).